The following is an entry in ClinVar:

NM_020203.6(MEPE):c.209_212del (p.Lys70fs)

Genes: MEPE (matrix extracellular phosphoglycoprotein; plus strand), MEPE-AS1 (MEPE and IBSP antisense RNA 1; minus strand). Cytogenetic location: 4q22.1.
Variant type: Microsatellite.
Coding change: c.209_212del on transcript NM_020203.6 (MANE Select); coding-DNA positions 209 to 212, 4 bases deleted (AAGA; older notation c.209_212delAAGA).
Protein change: p.Lys70fs; shifts the reading frame from lysine 70.
Molecular consequence: frameshift variant. On other transcripts: 5 prime UTR variant (3).
Genome position (GRCh38, 1-based): chr4:87,845,077-87,845,080, AAGA deleted; deleting any 4 consecutive bases within chr4:87,845,067-87,845,080 gives the same sequence; the c. name uses the placement nearest the transcript's 3' end. VCF-style (leftmost placement, unchanged base first): chr4-87845066-GGAAA-G. GRCh37 (hg19) VCF-style: chr4-88766218-GGAAA-G.
Other names: c.209_212del, p.Lys70fs (NM_001184694.3); c.-139AAGA[2] (NM_001184695.4, NM_001184696.2, NM_001184697.2); c.302_305del, p.Lys101fs (NM_001291183.2); short protein forms K101fs, K70fs.
Identifiers: ClinVar variation 3358411 (VCV003358411.2).

ClinVar aggregate classification (germline): Likely pathogenic. Review status: criteria provided, single submitter (1 of 4 stars). 2 submissions from 2 submitters: Likely pathogenic (1). 1 of the submissions does not count toward it. Last evaluated 2026-09-09.

Conditions:
MEPE-related disorder. Also called: MEPE-related condition.
Otosclerosis. Identifiers: MedGen C0029899, MONDO:0005349, HP:0000362.

Submissions (2):

Goodfire Ai
Classification: Likely pathogenic for Otosclerosis. Last evaluated: 2026-09-09. Review status: criteria provided, single submitter. Criteria: Goodfire AI Sequence Variant Classification Criteria v1.0 (2026). Collection method: curation. Allele origin: germline. Inheritance: Autosomal dominant inheritance. Affected: yes.
Comment: This variant in MEPE (gene OMIM:605912), NM_020203.6:c.209_212del, p.(Lys70Ilefs*26) on the MANE Select transcript, rs753138805, is classified as Likely Pathogenic for Otosclerosis (MedGen:C0029899). The aggregate evidence supports Pathogenic (10 points); it is submitted conservatively as Likely Pathogenic (see point total below). PVS1 (Strong): A 4-bp GAAA deletion causing a frameshift that ablates both functional motifs of MEPE (the RGD/osteoregulin motif and the C-terminal ASARM motif), in a gene where loss of these motifs is the established mechanism of otosclerosis (Schrauwen et al. 2018, Genet Med, PMID:30287925; Ramo et al. 2023, Nat Commun, PMID:36653343). Strength is set at Strong rather than Very Strong because, as a SIBLING-family gene, the bulk of the MEPE coding sequence lies in the large terminal exon (the variant maps to the last exon on NM_020203.6) and is predicted to escape nonsense-mediated decay; the truncation nonetheless removes the majority of the protein including both critical functional motifs. PS4 (Strong): The variant is strongly enriched in otosclerosis cases, with odds ratio 21.5 (95% CI 9.6 to 48.4), p = 9.8 x 10^-14, effect allele frequency 0.3% in controls versus 1.3% in cases (Ramo et al. 2023, PMID:36653343). The same variant was independently identified in Dutch and Belgian otosclerosis families and nine unrelated affected individuals (Schrauwen et al. 2018, PMID:30287925). A concordant association is seen in FinnGen R12 (otosclerosis endpoint H8_OTOSCLE) from the same underlying cohort, and is therefore treated as supporting rather than independent evidence. PP3 (Supporting): EVEE computational pathogenicity score 0.970, applied at Supporting per the ClinGen SVI 2022 default for predictors without published calibration. PM2 (Supporting): The variant is rare outside the Finnish founder population (gnomAD non-Finnish European frequency approximately 0.07-0.08%; roughly 2.4 to 3.5-fold Finnish enrichment), consistent with a population-restricted penetrant allele rather than a benign polymorphism. Mechanism and phenotypic spectrum: MEPE regulates bone turnover through its RGD and ASARM motifs, which inhibit bone resorption and mineralization respectively. Loss of both motifs increases bone turnover, manifesting as otic-capsule sclerosis (otosclerosis) and, systemically, as reduced bone mineral density and increased fracture risk. The same variant has been independently associated with decreased bone mineral density and fracture risk across the HUNT, UK Biobank, and deCODE cohorts (Surakka et al. 2020, Nat Commun, PMID:33097703), supporting a consistent loss-of-function effect on bone homeostasis. Total (Tavtigian 2018 / ClinGen SVI): PVS1_Strong (4) + PS4_Strong (4) + PP3_Supporting (1) + PM2_Supporting (1) = 10. This reaches the Pathogenic threshold and is submitted conservatively as Likely Pathogenic, reflecting residual uncertainty in the last-exon (NMD-escape) loss-of-function mechanism in this SIBLING-family gene. The existing ClinVar record (VCV003358411, single submitter, 0 stars, 2018) predates the MEPE-otosclerosis gene-disease relationship and used the generic condition "MEPE-related disorder". This submission provides structured ACMG/AMP criteria, a specific condition, and three independent peer-reviewed lines of evidence. Classification developed in research collaboration with Mayo Clinic clinical review.

PreventionGenetics, part of Exact Sciences
Classification: Uncertain significance for MEPE-related condition. Last evaluated: 2024-09-27. Review status: no assertion criteria provided. Collection method: clinical testing. Allele origin: germline. Not counted in ClinVar's aggregate classification.
Comment: The MEPE c.302_305delAAGA variant is predicted to result in a frameshift and premature protein termination (p.Lys101Ilefs*26). This variant has been reported in the heterozygous state in multiple affected and unaffected individuals from two families with otosclerosis and also been reported in unrelated nine patients and one unaffected individual in an otosclerosis case-control study (referred to as c.199_202delGAAA, Schrauwen et al. 2019. PubMed ID: 30287925). It has been associated with an increased risk of decreased bone mineral density (reported as p.Lys70IlefsTer26 or rs753138805 in Table S1, Surakka et al. 2020. PubMed ID: 33097703). This variant is reported in 0.29% of alleles in individuals of European (Finnish) descent in gnomAD. At this time, the clinical significance of this variant is uncertain due to the absence of conclusive functional and genetic evidence.

Literature cited by the submitters: PubMed 30287925 (cited by Goodfire Ai); PubMed 36653343 (cited by Goodfire Ai); PubMed 33097703 (cited by Goodfire Ai).